The following is an entry in ClinVar:

NM_000391.4(TPP1):c.500_503dup (p.Phe169fs)

Gene: TPP1 (tripeptidyl peptidase 1; minus strand). Cytogenetic location: 11p15.4.
Variant type: Duplication.
Coding change: c.500_503dup on transcript NM_000391.4 (MANE Select); coding-DNA positions 500 to 503, 4 bases duplicated (TGGA; older notation c.500_503dupTGGA).
Protein change: p.Phe169fs; shifts the reading frame from phenylalanine 169.
Molecular consequence: frameshift variant.
Genome position (GRCh38, 1-based): chr11:6,617,306-6,617,309, TCCA duplicated on the plus strand (TGGA on the coding strand, the reverse complement: TPP1 is on the minus strand). VCF-style (leftmost placement, unchanged base first): chr11-6617305-G-GTCCA. GRCh37 (hg19) VCF-style: chr11-6638536-G-GTCCA.
Other names: short protein forms F169fs.
Identifiers: ClinVar variation 423868 (VCV000423868.6), dbSNP rs1554902020, ClinGen allele CA16619375.

ClinVar aggregate classification (germline): Pathogenic. Review status: criteria provided, multiple submitters, no conflicts (2 of 4 stars). 3 submissions from 3 submitters: Pathogenic (3). Last evaluated 2024-05-08.

Conditions:
Neuronal ceroid lipofuscinosis 2. Also called: TPP1-Related Neuronal Ceroid-Lipofuscinosis; JANSKY-BIELSCHOWSKY DISEASE NEURONAL CEROID LIPOFUSCINOSIS, LATE INFANTILE. Identifiers: Orphanet 168491, Orphanet 228349, Orphanet 79264, MedGen C1876161, MONDO:0008769, OMIM 204500.

Submissions (3):

Myriad Genetics, Inc.
Classification: Pathogenic for Neuronal ceroid lipofuscinosis 2. Last evaluated: 2024-05-08. Review status: criteria provided, single submitter. Criteria: Myriad Autosomal Dominant, Autosomal Recessive and X-Linked Classification Criteria (2023). Collection method: clinical testing. Allele origin: unknown.
Comment: NM_000391.3(TPP1):c.500_503dupTGGA(F169Gfs*20) is expected to be pathogenic in the context of TPP1-related neuronal ceroid lipofuscinosis. This variant is predicted to lead to an abnormal or absent protein product due to the creation of a premature termination codon in TPP1, a gene where loss-of-function variants are known to be pathogenic. Please note: this variant was assessed in the context of healthy population screening.

Labcorp Genetics (formerly Invitae), Labcorp
Classification: Pathogenic. Last evaluated: 2023-05-16. Review status: criteria provided, single submitter. Criteria: Invitae Variant Classification Sherloc (09022015). Collection method: clinical testing. Allele origin: germline.
Comment: This variant is not present in population databases (gnomAD no frequency). For these reasons, this variant has been classified as Pathogenic. ClinVar contains an entry for this variant (Variation ID: 423868). This premature translational stop signal has been observed in individual(s) with pediatric movement disorders (PMID: 30283815). This sequence change creates a premature translational stop signal (p.Phe169Glyfs*20) in the TPP1 gene. It is expected to result in an absent or disrupted protein product. Loss-of-function variants in TPP1 are known to be pathogenic (PMID: 10330339).

GeneDx
Classification: Pathogenic. Last evaluated: 2017-02-20. Review status: criteria provided, single submitter. Criteria: GeneDx Variant Classification (06012015). Collection method: clinical testing. Allele origin: germline. Affected: yes.
Comment: The c.500_503dupTGGA variant variant in the TPP1 gene has not been reported previously as a pathogenic variant nor as a benign variant, to our knowledge. The c.500_503dupTGGA variant variant causes a frameshift starting with codon Phenylalanine 169, changes this amino acid to a Glycine residue, and creates a premature Stop codon at position 20 of the new reading frame, denoted p.Phe169GlyfsX20. This variant is predicted to cause loss of normal protein function either through protein truncation or nonsense-mediated mRNA decay. The c.500_503dupTGGA variant is not observed in large population cohorts (Lek et al., 2016; 1000 Genomes Consortium et al., 2015; Exome Variant Server). We interpret c.500_503dupTGGA variant as a pathogenic variant.

Literature cited by the submitters: PubMed 30283815 (cited by Labcorp Genetics (formerly Invitae), Labcorp); PubMed 10330339 (cited by Labcorp Genetics (formerly Invitae), Labcorp).